The following is an entry in ClinVar:

NM_032242.4(PLXNA1):c.4783G>A (p.Gly1595Arg)

Gene: PLXNA1 (plexin A1; plus strand). Cytogenetic location: 3q21.3.
Variant type: single nucleotide variant.
Coding change: c.4783G>A on transcript NM_032242.4 (MANE Select); coding-DNA position 4783, G replaced by A.
Protein change: p.Gly1595Arg; replaces glycine 1595 with arginine.
Molecular consequence: missense variant.
Genome position (GRCh38, 1-based): chr3:127,029,449, G>A. VCF-style: chr3-127029449-G-A. GRCh37 (hg19) VCF-style: chr3-126748292-G-A.
Other names: short protein forms G1595R.
Identifiers: ClinVar variation 3934755 (VCV003934755.2).

ClinVar aggregate classification (germline): Uncertain significance. Review status: criteria provided, multiple submitters, no conflicts (2 of 4 stars). 2 submissions from 2 submitters: Uncertain significance (2). Last evaluated 2026-02-18.

Conditions:
PLXNA1-related disorder. Also called: PLXNA1-related condition.

gnomAD v4.1: 33 of 1,613,670 alleles (0.002%); highest among the groups gnomAD compares: Middle Eastern, 0.016%; no homozygotes.

Submissions (2):

PreventionGenetics, part of Exact Sciences
Classification: Uncertain significance for PLXNA1-related condition. Last evaluated: 2026-02-18. Review status: criteria provided, single submitter. Criteria: ACMG Guidelines, 2015. Collection method: clinical testing. Allele origin: germline.
Comment: The PLXNA1 c.4783G>A variant is predicted to result in the amino acid substitution p.Gly1595Arg. To our knowledge, this variant has not been reported in the literature. This variant is reported in 0.0056% of alleles in individuals of Latino descent in gnomAD. At this time, the clinical significance of this variant is uncertain due to the absence of conclusive functional and genetic evidence.

Ambry Genetics
Classification: Uncertain significance. Last evaluated: 2025-04-24. Review status: criteria provided, single submitter. Criteria: Ambry Variant Classification Scheme 2023. Collection method: clinical testing. Allele origin: germline.